The following is an entry in ClinVar:

NM_199355.4(ADAMTS18):c.194C>T (p.Thr65Met)

Gene: ADAMTS18 (ADAM metallopeptidase with thrombospondin type 1 motif 18; minus strand). Cytogenetic location: 16q23.1.
Variant type: single nucleotide variant.
Coding change: c.194C>T on transcript NM_199355.4 (MANE Select); coding-DNA position 194, C replaced by T.
Protein change: p.Thr65Met; replaces threonine 65 with methionine.
Molecular consequence: missense variant. On other transcripts: 5 prime UTR variant (1).
Genome position (GRCh38, 1-based): chr16:77,431,596, G>A on the plus strand (C>T on the coding strand, the complement: ADAMTS18 is on the minus strand). VCF-style: chr16-77431596-G-A. GRCh37 (hg19) VCF-style: chr16-77465493-G-A.
Other names: c.-327C>T (NM_001326358.2); short protein forms T65M.
Identifiers: ClinVar variation 1382935 (VCV001382935.4), dbSNP rs745612415, ClinGen allele CA8181748.
Genomic context (GRCh38, chr16:77,431,596, plus strand): 5'-CTGCCGTTGTGCAAAATGTCGTGTGAAATATATGACCCGGCTGAGTCTACTTCTACTGGC[G>A]TGACAAAGACGTAATCTGCAATGGGAAAAGTTCAGCTGTCAGCACCCAGAGCCCACAATT-3'
Protein context (NP_955387.1, residues 55-75): SGLNDDYVFV[Thr65Met]PVEVDSAGSY

ClinVar aggregate classification (germline): Uncertain significance. Review status: criteria provided, single submitter (1 of 4 stars). 2 submissions from 2 submitters: Uncertain significance (1). 1 of the submissions does not count toward it. Last evaluated 2022-08-23.

Conditions:
Retinal dystrophy. Also called: Inherited retinal dystrophy. Identifiers: Orphanet 71862, MedGen C0854723, MeSH D058499, MONDO:0019118, HP:0000556.

Allele frequency attached by ClinVar (database versions not stated): TOPMed 0.00001; gnomAD 0.00003.
gnomAD v4.1: 31 of 1,613,856 alleles (0.0019%); highest among the groups gnomAD compares: African/African-American, 0.0053%; no homozygotes.

Submissions (2):

Labcorp Genetics (formerly Invitae), Labcorp
Classification: Uncertain significance. Last evaluated: 2022-08-23. Review status: criteria provided, single submitter. Criteria: Invitae Variant Classification Sherloc (09022015). Collection method: clinical testing. Allele origin: germline.
Comment: This sequence change replaces threonine, which is neutral and polar, with methionine, which is neutral and non-polar, at codon 65 of the ADAMTS18 protein (p.Thr65Met). The frequency data for this variant in the population databases is considered unreliable, as metrics indicate poor data quality at this position in the gnomAD database. This variant has not been reported in the literature in individuals affected with ADAMTS18-related conditions. ClinVar contains an entry for this variant (Variation ID: 1382935). Algorithms developed to predict the effect of missense changes on protein structure and function are either unavailable or do not agree on the potential impact of this missense change (SIFT: "Not Available"; PolyPhen-2: "Possibly Damaging"; Align-GVGD: "Not Available"). In summary, the available evidence is currently insufficient to determine the role of this variant in disease. Therefore, it has been classified as a Variant of Uncertain Significance.

Institute of Human Genetics, Univ. Regensburg, Univ. Regensburg
Classification: Uncertain significance for Retinal dystrophy. Last evaluated: 2023-01-01. Review status: no assertion criteria provided. Criteria: ACMG Guidelines, 2015. Collection method: clinical testing. Allele origin: germline. Affected: yes. Not counted in ClinVar's aggregate classification.